The following is an entry in ClinVar:

NM_001130438.3(SPTAN1):c.3579+3A>G

Gene: SPTAN1 (spectrin alpha, non-erythrocytic 1; plus strand). Cytogenetic location: 9q34.11.
Variant type: single nucleotide variant.
Coding change: c.3579+3A>G on transcript NM_001130438.3 (MANE Select); 3 bases into the intron after coding-DNA position 3579, A replaced by G.
Molecular consequence: intron variant.
Genome position (GRCh38, 1-based): chr9:128,600,118, A>G. VCF-style: chr9-128600118-A-G. GRCh37 (hg19) VCF-style: chr9-131362397-A-G.
Other names: c.3615+3A>G (NM_001375318.1, NM_001375312.2); c.3579+3A>G (NM_001375311.2, NM_001375310.1, NM_001363759.2 and 2 more transcripts); c.3519+3A>G (NM_001375314.2, NM_001363765.2, NM_001195532.2).
Identifiers: ClinVar variation 2090848 (VCV002090848.4), dbSNP rs1171832007, ClinGen allele CA2580079720.

ClinVar aggregate classification (germline): Uncertain significance (1 of 4 stars; one submission).

Conditions:
Early-infantile DEE. Also called: Ohtahara syndrome; Early infantile epileptic encephalopathy with suppression bursts; Early infantile epileptic encephalopathy. Identifiers: Orphanet 1934, MedGen C0393706, MONDO:0800491.

gnomAD v4.1: 1 of 1,614,174 alleles (0.000062%); highest among the groups gnomAD compares: Non-Finnish European, 0.000085%; no homozygotes.

Submission:

Labcorp Genetics (formerly Invitae), Labcorp
Classification: Uncertain significance for Early-infantile DEE. Last evaluated: 2022-03-12. Review status: criteria provided, single submitter. Criteria: Invitae Variant Classification Sherloc (09022015). Collection method: clinical testing. Allele origin: germline.
Comment: This variant has not been reported in the literature in individuals affected with SPTAN1-related conditions. This variant is not present in population databases (gnomAD no frequency). This sequence change falls in intron 27 of the SPTAN1 gene. It does not directly change the encoded amino acid sequence of the SPTAN1 protein. It affects a nucleotide within the consensus splice site. Variants that disrupt the consensus splice site are a relatively common cause of aberrant splicing (PMID: 17576681, 9536098). Algorithms developed to predict the effect of sequence changes on RNA splicing suggest that this variant is not likely to affect RNA splicing. In summary, the available evidence is currently insufficient to determine the role of this variant in disease. Therefore, it has been classified as a Variant of Uncertain Significance.

Literature cited by the submitters: PubMed 17576681; PubMed 9536098.